The following is an entry in ClinVar:

ClinVar aggregate classification (germline): Uncertain significance (1 of 4 stars; one submission).

Conditions:
Mucolipidosis type IV (ML4). Also called: ML IV. Identifiers: Orphanet 578, MedGen C0238286, MONDO:0009653, OMIM 252650.

Allele frequency attached by ClinVar (database versions not stated): gnomAD exomes below 0.00001; TOPMed below 0.00001; ExAC 0.00001; gnomAD 0.00001.
gnomAD v4.1: 7 of 1,613,952 alleles (0.00043%); highest among the groups gnomAD compares: Admixed American, 0.0017%; no homozygotes.

Submission:

Labcorp Genetics (formerly Invitae), Labcorp
Classification: Uncertain significance for Mucolipidosis type IV. Last evaluated: 2022-07-20. Review status: criteria provided, single submitter. Criteria: Invitae Variant Classification Sherloc (09022015). Collection method: clinical testing. Allele origin: germline.
Comment: This sequence change replaces alanine, which is neutral and non-polar, with threonine, which is neutral and polar, at codon 118 of the MCOLN1 protein (p.Ala118Thr). This variant is present in population databases (rs764847467, gnomAD 0.003%). This variant has not been reported in the literature in individuals affected with MCOLN1-related conditions. Algorithms developed to predict the effect of missense changes on protein structure and function are either unavailable or do not agree on the potential impact of this missense change (SIFT: "Deleterious"; PolyPhen-2: "Probably Damaging"; Align-GVGD: "Class C0"). In summary, the available evidence is currently insufficient to determine the role of this variant in disease. Therefore, it has been classified as a Variant of Uncertain Significance.

NM_020533.3(MCOLN1):c.352G>A (p.Ala118Thr)

Gene: MCOLN1 (mucolipin TRP cation channel 1; plus strand). Cytogenetic location: 19p13.2.
Variant type: single nucleotide variant.
Coding change: c.352G>A on transcript NM_020533.3 (MANE Select); coding-DNA position 352, G replaced by A.
Protein change: p.Ala118Thr; replaces alanine 118 with threonine.
Molecular consequence: missense variant.
Genome position (GRCh38, 1-based): chr19:7,526,553, G>A. VCF-style: chr19-7526553-G-A. GRCh37 (hg19) VCF-style: chr19-7591439-G-A.
Other names: short protein forms A118T.
Identifiers: ClinVar variation 1989272 (VCV001989272.1), dbSNP rs764847467, ClinGen allele CA9138695.